The following is an entry in ClinVar:

NM_139058.3(ARX):c.706G>C (p.Asp236His)

Gene: ARX (aristaless related homeobox; minus strand). Cytogenetic location: Xp21.3.
Variant type: single nucleotide variant.
Coding change: c.706G>C on transcript NM_139058.3 (MANE Select); coding-DNA position 706, G replaced by C.
Protein change: p.Asp236His; replaces aspartic acid 236 with histidine.
Molecular consequence: missense variant.
Genome position (GRCh38, 1-based): chrX:25,013,289, C>G on the plus strand (G>C on the coding strand, the complement: ARX is on the minus strand). VCF-style: chrX-25013289-C-G. GRCh37 (hg19) VCF-style: chrX-25031406-C-G.
Other names: short protein forms D236H.
Identifiers: ClinVar variation 1368186 (VCV001368186.8), dbSNP rs1291778310, ClinGen allele CA412612610.

ClinVar aggregate classification (germline): Uncertain significance. Review status: criteria provided, multiple submitters, no conflicts (2 of 4 stars). 2 submissions from 2 submitters: Uncertain significance (2). Last evaluated 2025-03-17.

Conditions:
Developmental and epileptic encephalopathy, 1 (DEE1). Also called: Epileptic encephalopathy, early infantile, 1; X-linked infantile spasms; West's syndrome; Tonic spasms with clustering, arrest of psychomotor development and hypsarrhythmia on EEG; X-Linked Infantile Spasm Syndrome; OHTAHARA SYNDROME, X-LINKED. Identifiers: MedGen C3463992, MONDO:0010632, OMIM 308350. Disease mechanism: loss of function.
Intellectual disability, X-linked, with or without seizures, ARX-related. Also called: Mental retardation, X-linked 52; MENTAL RETARDATION, X-LINKED 29; MENTAL RETARDATION, X-LINKED 32; MENTAL RETARDATION, X-LINKED 33; MENTAL RETARDATION, X-LINKED 38; MENTAL RETARDATION, X-LINKED 43. Identifiers: Orphanet 777, MedGen C0796244, MONDO:0010317, OMIM 300419.
Intellectual disability. Also called: Intellectual functioning disability; Intellectual developmental disorder; intellectual disabilities. Identifiers: MedGen C3714756, MeSH D008607, MONDO:0001071, HP:0001249.

Allele frequency attached by ClinVar (database versions not stated): gnomAD exomes 0.00001; gnomAD 0.00002; TOPMed 0.00002.
gnomAD v4.1: 16 of 1,152,363 alleles (0.0014%); highest among the groups gnomAD compares: African/African-American, 0.0018%; no homozygotes.

Submissions (2):

Labcorp Genetics (formerly Invitae), Labcorp
Classification: Uncertain significance for Developmental and epileptic encephalopathy, 1; Intellectual disability, X-linked, with or without seizures, ARX-related. Last evaluated: 2025-03-17. Review status: criteria provided, single submitter. Criteria: Invitae Variant Classification Sherloc (09022015). Collection method: clinical testing. Allele origin: germline.
Comment: This sequence change replaces aspartic acid, which is acidic and polar, with histidine, which is basic and polar, at codon 236 of the ARX protein (p.Asp236His). This variant is not present in population databases (gnomAD no frequency). This variant has not been reported in the literature in individuals affected with ARX-related conditions. ClinVar contains an entry for this variant (Variation ID: 1368186). Invitae Evidence Modeling of protein sequence and biophysical properties (such as structural, functional, and spatial information, amino acid conservation, physicochemical variation, residue mobility, and thermodynamic stability) indicates that this missense variant is not expected to disrupt ARX protein function with a negative predictive value of 95%. In summary, the available evidence is currently insufficient to determine the role of this variant in disease. Therefore, it has been classified as a Variant of Uncertain Significance.

Cambridge Genomics Laboratory, East Genomic Laboratory Hub, NHS Genomic Medicine Service
Classification: Uncertain significance for Intellectual disability. Last evaluated: 2019-08-28. Review status: criteria provided, single submitter. Criteria: ACGS Best Practice Guidelines for Variant Classification in Rare Disease 2020. Collection method: clinical testing. Allele origin: germline. Affected: yes. Observed: 1 variant allele.